The following is an entry in ClinVar:

NR_033294.2(SNORD118):n.46G>C

Genes: SNORD118 (small nucleolar RNA, C/D box 118; minus strand), TMEM107 (transmembrane protein 107; minus strand). Cytogenetic location: 17p13.1.
Variant type: single nucleotide variant.
Molecular consequence: non-coding transcript variant (on NR_033294.2). On other transcripts: 3 prime UTR variant (5).
Genome position: GRCh38 VCF-style: chr17-8173543-C-G. GRCh37 (hg19) VCF-style: chr17-8076861-C-G.
Other names: c.*660G>C (NM_001351278.2, NM_001351279.2, NM_001351280.2 and 2 more transcripts).
Identifiers: ClinVar variation 2980269 (VCV002980269.3), dbSNP rs140061096, ClinGen allele CA8370742.

ClinVar aggregate classification (germline): Uncertain significance (1 of 4 stars; one submission).

Allele frequency attached by ClinVar (database versions not stated): ESP Exome Variant Server 0.00035.
gnomAD v4.1: 12 of 765,286 alleles (0.0016%); highest among the groups gnomAD compares: Admixed American, 0.0068%; no homozygotes.

Submission:

Labcorp Genetics (formerly Invitae), Labcorp
Classification: Uncertain significance. Last evaluated: 2025-05-05. Review status: criteria provided, single submitter. Criteria: Invitae Variant Classification Sherloc (09022015). Collection method: clinical testing. Allele origin: germline.
Comment: This variant occurs in the SNORD118 gene, which encodes an RNA molecule that does not result in a protein product. This variant is present in population databases (rs140061096, gnomAD 0.01%). This variant has not been reported in the literature in individuals affected with SNORD118-related conditions. ClinVar contains an entry for this variant (Variation ID: 2980269). Experimental studies and prediction algorithms are not available or were not evaluated, and the functional significance of this variant is currently unknown. In summary, the available evidence is currently insufficient to determine the role of this variant in disease. Therefore, it has been classified as a Variant of Uncertain Significance.